The following is an entry in ClinVar:

ClinVar aggregate classification (germline): Conflicting classifications of pathogenicity. Review status: criteria provided, conflicting classifications (1 of 4 stars). 3 submissions from 3 submitters: Uncertain significance (1); Likely benign (2). Last evaluated 2025-11-17.

Conditions:
POLD1-related polyposis and colorectal cancer syndrome (CRCS10). Also called: Colorectal cancer 10; COLORECTAL CANCER, SUSCEPTIBILITY TO, ON CHROMOSOME 19q; Colorectal cancer, susceptibility to, 10. Identifiers: Orphanet 220460, MedGen C2675481, MONDO:0012953, OMIM 612591.
Hereditary cancer-predisposing syndrome. Also called: Tumor predisposition; Hereditary Cancer Syndrome; Hereditary neoplastic syndrome; Neoplastic Syndromes, Hereditary. Identifiers: Orphanet 140162, MedGen C0027672, MeSH D009386, MONDO:0015356.

gnomAD v4.1: 4 of 1,612,686 alleles (0.00025%); highest among the groups gnomAD compares: Non-Finnish European, 0.00034%; no homozygotes.

Submissions (3):

Labcorp Genetics (formerly Invitae), Labcorp
Classification: Likely benign for POLD1-related polyposis and colorectal cancer syndrome. Last evaluated: 2025-11-17. Review status: criteria provided, single submitter. Criteria: Invitae Variant Classification Sherloc (09022015). Collection method: clinical testing. Allele origin: germline.

Ambry Genetics
Classification: Uncertain significance for Hereditary cancer-predisposing syndrome. Last evaluated: 2025-03-25. Review status: criteria provided, single submitter. Criteria: Ambry Variant Classification Scheme 2023. Collection method: clinical testing. Allele origin: germline.
Comment: The c.758+4C>G intronic variant results from a C to G substitution 4 nucleotides after coding exon 5 in the POLD1 gene. This nucleotide position is not well conserved in available vertebrate species. In silico splice site analysis predicts that this alteration will not have any significant effect on splicing. Based on the available evidence, the clinical significance of this variant remains unclear.

GeneDx
Classification: Likely benign. Last evaluated: 2018-04-17. Review status: criteria provided, single submitter. Criteria: GeneDx Variant Classification (06012015). Collection method: clinical testing. Allele origin: germline. Affected: yes.
Comment: This variant is considered likely benign or benign based on one or more of the following criteria: it is a conservative change, it occurs at a poorly conserved position in the protein, it is predicted to be benign by multiple in silico algorithms, and/or has population frequency not consistent with disease.

NM_002691.4(POLD1):c.758+4C>G

Gene: POLD1 (DNA polymerase delta 1, catalytic subunit; plus strand). Cytogenetic location: 19q13.33.
Variant type: single nucleotide variant.
Coding change: c.758+4C>G on transcript NM_002691.4 (MANE Select); 4 bases into the intron after coding-DNA position 758, C replaced by G.
Molecular consequence: intron variant.
Genome position (GRCh38, 1-based): chr19:50,402,377, C>G. VCF-style: chr19-50402377-C-G. GRCh37 (hg19) VCF-style: chr19-50905634-C-G.
Other names: c.758+4C>G (LRG_785t2, LRG_785t1, NM_001256849.1 and 1 more transcripts).
Identifiers: ClinVar variation 484337 (VCV000484337.16), dbSNP rs771346692, ClinGen allele CA9595879.